The following is an entry in ClinVar:

NM_020778.5(ALPK3):c.3719_3728delinsAG (p.Pro1240fs)

Gene: ALPK3 (alpha kinase 3; plus strand). Cytogenetic location: 15q25.3.
Variant type: Indel.
Coding change: c.3719_3728delinsAG on transcript NM_020778.5 (MANE Select); coding-DNA positions 3719 to 3728, CCAGCCCCAA replaced by AG.
Protein change: p.Pro1240fs; shifts the reading frame from proline 1240.
Molecular consequence: frameshift variant.
Genome position (GRCh38, 1-based): chr15:84,858,457-84,858,466, CCAGCCCCAA replaced by AG. VCF-style: chr15-84858457-CCAGCCCCAA-AG. GRCh37 (hg19) VCF-style: chr15-85401688-CCAGCCCCAA-AG.
Other names: short protein forms P1240fs.
Identifiers: ClinVar variation 4886584 (VCV004886584.2).
Genomic context (GRCh38, chr15:84,858,457, plus strand): 5'-AGGCGAGCATGCTGGAGGTGCCTCGGGCAGAGGAGGAGCTGGCGGCAGGAGACCTGGGCC[CCAGCCCCAA>AG]GGCCGGCGGTCTGGACACAGAGGTGGCCCTGGATGAAGGCAAGCAGGAGACACTGGCCAA-3'

ClinVar aggregate classification (germline): Likely pathogenic (1 of 4 stars; one submission).

Submission:

Dasa
Classification: Likely pathogenic. Last evaluated: 2025-08-25. Review status: criteria provided, single submitter. Criteria: DASA Assertion Criteria. Collection method: clinical testing. Allele origin: germline.
Comment: NM_020778.5(ALPK3):c.3719_3728delinsAG (p.Pro1240Glnfs*13) is a frameshift variant in ALPK3 predicted to alter the reading frame and introduce a premature termination codon and is predicted to result in an absent or altered protein product. Loss of function is an established disease mechanism for ALPK3-associated disorders. Also, this variant is absent from population databases. Based on the currently available evidence, this variant is classified as likely pathogenic.